The following is an entry in ClinVar:

ClinVar aggregate classification (germline): Likely benign. Review status: criteria provided, multiple submitters, no conflicts (2 of 4 stars). 2 submissions from 2 submitters: Likely benign (2). Last evaluated 2018-01-13.

Conditions:
Alport syndrome. Also called: Hemorrhagic familial nephritis; Hemorrhagic hereditary nephritis; Congenital hereditary hematuria. Identifiers: Orphanet 63, MedGen C1567741, MONDO:0018965.

Allele frequency attached by ClinVar (database versions not stated): 1000 Genomes Project 30x 0.00593; 1000 Genomes Project 0.00699; TOPMed 0.00920; gnomAD 0.00945 and 0.00987.

Submissions (2):

Illumina Laboratory Services, Illumina
Classification: Likely benign for Alport syndrome. Last evaluated: 2018-01-13. Review status: criteria provided, single submitter. Criteria: ICSL Variant Classification Criteria 13 December 2019. Collection method: clinical testing. Allele origin: germline.
Comment: This variant was observed in the ICSL laboratory as part of a predisposition screen in an ostensibly healthy population. It had not been previously curated by ICSL or reported in the Human Gene Mutation Database (HGMD: prior to June 1st, 2018), and was therefore a candidate for classification through an automated scoring system. Utilizing variant allele frequency, disease prevalence and penetrance estimates, and inheritance mode, an automated score was calculated to assess if this variant is too frequent to cause the disease. Based on the score and internal cut-off values, a variant classified as likely benign is not then subjected to further curation. The score for this variant resulted in a classification of likely benign for this disease.

Breakthrough Genomics
Classification: Likely benign. Review status: criteria provided, single submitter. Criteria: ACMG Guidelines, 2015. Collection method: not provided. Allele origin: germline. Inheritance: Autosomal recessive inheritance. Affected: yes.

NM_000092.5(COL4A4):c.*3690A>G

Gene: COL4A4 (collagen type IV alpha 4 chain; minus strand). Cytogenetic location: 2q36.3.
Variant type: single nucleotide variant.
Coding change: c.*3690A>G on transcript NM_000092.5 (MANE Select); 3690 bases downstream of the stop codon, A replaced by G.
Molecular consequence: 3 prime UTR variant.
Genome position (GRCh38, 1-based): chr2:227,003,635, T>C on the plus strand (A>G on the coding strand, the complement: COL4A4 is on the minus strand). VCF-style: chr2-227003635-T-C. GRCh37 (hg19) VCF-style: chr2-227868351-T-C.
Identifiers: ClinVar variation 334656 (VCV000334656.6), dbSNP rs149243282, ClinGen allele CA10612959.